The following is an entry in ClinVar:

NM_018671.5(UNC45A):c.2545C>T (p.Arg849Trp)

Genes: UNC45A (unc-45 myosin chaperone A; plus strand), RCCD1-AS1 (RCCD1 and UNC45A antisense RNA 1; minus strand). Cytogenetic location: 15q26.1.
Variant type: single nucleotide variant.
Coding change: c.2545C>T on transcript NM_018671.5 (MANE Select); coding-DNA position 2545, C replaced by T.
Protein change: p.Arg849Trp; replaces arginine 849 with tryptophan.
Molecular consequence: missense variant.
Genome position (GRCh38, 1-based): chr15:90,953,278, C>T. VCF-style: chr15-90953278-C-T. GRCh37 (hg19) VCF-style: chr15-91496508-C-T.
Other names: c.2500C>T, p.Arg834Trp (NM_001039675.2, NM_001323621.2); c.2545C>T, p.Arg849Trp (NM_001323619.1); c.2110C>T, p.Arg704Trp (NM_001323620.2); c.2545C>T (NM_018671.3); short protein forms R704W, R834W, R849W.
Identifiers: ClinVar variation 3628184 (VCV003628184.2).

ClinVar aggregate classification (germline): Uncertain significance. Review status: criteria provided, multiple submitters, no conflicts (2 of 4 stars). 2 submissions from 2 submitters: Uncertain significance (2). Last evaluated 2025-02-07.

Conditions:
Inborn genetic diseases. Identifiers: MedGen C0950123, MeSH D030342.

Submissions (2):

Ambry Genetics
Classification: Uncertain significance for Inborn genetic diseases. Last evaluated: 2025-02-07. Review status: criteria provided, single submitter. Criteria: Ambry Variant Classification Scheme 2023. Collection method: clinical testing. Allele origin: germline.

Labcorp Genetics (formerly Invitae), Labcorp
Classification: Uncertain significance. Last evaluated: 2024-05-02. Review status: criteria provided, single submitter. Criteria: Invitae Variant Classification Sherloc (09022015). Collection method: clinical testing. Allele origin: germline.
Comment: This sequence change replaces arginine, which is basic and polar, with tryptophan, which is neutral and slightly polar, at codon 849 of the UNC45A protein (p.Arg849Trp). This variant is present in population databases (rs764955780, gnomAD 0.01%). This variant has not been reported in the literature in individuals affected with UNC45A-related conditions. Advanced modeling of protein sequence and biophysical properties (such as structural, functional, and spatial information, amino acid conservation, physicochemical variation, residue mobility, and thermodynamic stability) performed at Invitae indicates that this missense variant is not expected to disrupt UNC45A protein function with a negative predictive value of 80%. In summary, the available evidence is currently insufficient to determine the role of this variant in disease. Therefore, it has been classified as a Variant of Uncertain Significance.